The following is an entry in ClinVar:

NM_001330260.2(SCN8A):c.4963G>A (p.Gly1655Ser)

Gene: SCN8A (sodium voltage-gated channel alpha subunit 8; plus strand). Cytogenetic location: 12q13.13.
Variant type: single nucleotide variant.
Coding change: c.4963G>A on transcript NM_001330260.2 (MANE Select); coding-DNA position 4963, G replaced by A.
Protein change: p.Gly1655Ser; replaces glycine 1655 with serine.
Molecular consequence: missense variant.
Genome position (GRCh38, 1-based): chr12:51,806,449, G>A. VCF-style: chr12-51806449-G-A. GRCh37 (hg19) VCF-style: chr12-52200233-G-A.
Other names: c.4840G>A, p.Gly1614Ser (NM_001177984.3, NM_001369788.1); c.4963G>A, p.Gly1655Ser (NM_014191.4); short protein forms G1614S, G1655S.
Identifiers: ClinVar variation 3359076 (VCV003359076.2).

ClinVar aggregate classification (germline): Likely pathogenic (1 of 4 stars; one submission).

Conditions:
Developmental and epileptic encephalopathy, 13 (DEE13). Also called: Developmental and Epileptic Encephalopathy (SCN8A-DEE); Early infantile epileptic encephalopathy 13; SCN8A-Related Epilepsy. Identifiers: Orphanet 442835, MedGen C3281191, MONDO:0013801, OMIM 614558.

gnomAD v4.1: 1 of 1,614,014 alleles (0.000062%); highest among the groups gnomAD compares: African/African-American, 0.0013%; no homozygotes.

Submission:

Institute of Human Genetics, University of Leipzig Medical Center
Classification: Likely pathogenic for Developmental and epileptic encephalopathy, 13. Last evaluated: 2024-08-22. Review status: criteria provided, single submitter. Criteria: ACMG Guidelines, 2015. Collection method: clinical testing. Allele origin: unknown. Affected: yes.
Comment: Criteria applied: PM1_STR,PM2_SUP,PP3_MOD